The following is an entry in ClinVar:

ClinVar aggregate classification (germline): Uncertain significance. Review status: criteria provided, multiple submitters, no conflicts (2 of 4 stars). 2 submissions from 2 submitters: Uncertain significance (2). Last evaluated 2024-09-12.

Allele frequency attached by ClinVar (database versions not stated): gnomAD 0.00001; ExAC 0.00008; 1000 Genomes Project 30x 0.00016; 1000 Genomes Project 0.00020.
gnomAD v4.1: 39 of 1,613,524 alleles (0.0024%); highest among the groups gnomAD compares: South Asian, 0.022%; 1 homozygote.

Submissions (2):

Blueprint Genetics
Classification: Uncertain significance. Last evaluated: 2024-09-12. Review status: criteria provided, single submitter. Criteria: ACMG Guidelines, 2015. Collection method: clinical testing. Allele origin: germline.

Labcorp Genetics (formerly Invitae), Labcorp
Classification: Uncertain significance. Last evaluated: 2021-11-25. Review status: criteria provided, single submitter. Criteria: Invitae Variant Classification Sherloc (09022015). Collection method: clinical testing. Allele origin: germline.
Comment: In summary, the available evidence is currently insufficient to determine the role of this variant in disease. Therefore, it has been classified as a Variant of Uncertain Significance. Algorithms developed to predict the effect of missense changes on protein structure and function are either unavailable or do not agree on the potential impact of this missense change (SIFT: "Not Available"; PolyPhen-2: "Probably Damaging"; Align-GVGD: "Not Available"). This variant has not been reported in the literature in individuals affected with FBN3-related conditions. This variant is present in population databases (rs559015997, gnomAD 0.05%). This sequence change replaces threonine, which is neutral and polar, with methionine, which is neutral and non-polar, at codon 1047 of the FBN3 protein (p.Thr1047Met).

NM_032447.5(FBN3):c.3140C>T (p.Thr1047Met)

Gene: FBN3 (fibrillin 3; minus strand). Cytogenetic location: 19p13.2.
Variant type: single nucleotide variant.
Coding change: c.3140C>T on transcript NM_032447.5 (MANE Select); coding-DNA position 3140, C replaced by T.
Protein change: p.Thr1047Met; replaces threonine 1047 with methionine.
Molecular consequence: missense variant.
Genome position (GRCh38, 1-based): chr19:8,121,329, G>A on the plus strand (C>T on the coding strand, the complement: FBN3 is on the minus strand). VCF-style: chr19-8121329-G-A. GRCh37 (hg19) VCF-style: chr19-8186213-G-A.
Other names: c.3140C>T, p.Thr1047Met (NM_001321431.2); short protein forms T1047M.
Identifiers: ClinVar variation 2152305 (VCV002152305.5), dbSNP rs559015997, ClinGen allele CA9152559.